The following is an entry in ClinVar:

NM_004329.3(BMPR1A):c.383A>G (p.Asn128Ser)

Gene: BMPR1A (bone morphogenetic protein receptor type 1A; plus strand). Cytogenetic location: 10q23.2.
Variant type: single nucleotide variant.
Coding change: c.383A>G on transcript NM_004329.3 (MANE Select); coding-DNA position 383, A replaced by G.
Protein change: p.Asn128Ser; replaces asparagine 128 with serine.
Molecular consequence: missense variant.
Genome position (GRCh38, 1-based): chr10:86,899,843, A>G. VCF-style: chr10-86899843-A-G. GRCh37 (hg19) VCF-style: chr10-88659600-A-G.
Other names: short protein forms N128S.
Identifiers: ClinVar variation 186487 (VCV000186487.32), dbSNP rs375165807, ClinGen allele CA194960.
Genomic context (GRCh38, chr10:86,899,843, plus strand): 5'-TCTTCTTTTAGGATTCTCCAAAAGCCCAGCTACGCCGGACAATAGAATGTTGTCGGACCA[A>G]TTTATGTAACCAGTATTTGCAACCCACACTGCCCCCTGTTGTCATAGGTAGGTTAGCCGA-3'
Protein context (NP_004320.2, residues 118-138): LRRTIECCRT[Asn128Ser]LCNQYLQPTL

ClinVar aggregate classification (germline): Conflicting classifications of pathogenicity. Review status: criteria provided, conflicting classifications (1 of 4 stars). 9 submissions from 9 submitters: Uncertain significance (8); Benign (1). Last evaluated 2026-01-11.

Conditions:
Juvenile polyposis syndrome (JPS). Identifiers: Orphanet 2929, MedGen C0345893, MONDO:0017380, OMIM 174900.
Hereditary cancer-predisposing syndrome. Also called: Hereditary Cancer Syndrome; Neoplastic Syndromes, Hereditary; Tumor predisposition; Hereditary neoplastic syndrome. Identifiers: Orphanet 140162, MedGen C0027672, MeSH D009386, MONDO:0015356.

Allele frequency attached by ClinVar (database versions not stated): ExAC 0.00002; gnomAD exomes 0.00003 and 0.00006; TOPMed 0.00003; gnomAD 0.00004; ESP Exome Variant Server 0.00008.
gnomAD v4.1: 99 of 1,614,104 alleles (0.0061%); highest among the groups gnomAD compares: Non-Finnish European, 0.0078%; no homozygotes.

Submissions (9):

Labcorp Genetics (formerly Invitae), Labcorp
Classification: Uncertain significance for Juvenile polyposis syndrome. Last evaluated: 2026-01-11. Review status: criteria provided, single submitter. Criteria: Invitae Variant Classification Sherloc (09022015). Collection method: clinical testing. Allele origin: germline.
Comment: This sequence change replaces asparagine, which is neutral and polar, with serine, which is neutral and polar, at codon 128 of the BMPR1A protein (p.Asn128Ser). This variant is present in population databases (rs375165807, gnomAD 0.004%). This missense change has been observed in individual(s) with tubular adenoma and hyperplastic polyps (PMID: 25559809). ClinVar contains an entry for this variant (Variation ID: 186487). Invitae Evidence Modeling incorporating data from in vitro experimental studies (internal data) indicates that this missense variant is not expected to disrupt BMPR1A function with a negative predictive value of 95%. RNA analysis performed to evaluate the impact of this missense change on mRNA splicing indicates it does not significantly alter splicing (internal data). In summary, the available evidence is currently insufficient to determine the role of this variant in disease. Therefore, it has been classified as a Variant of Uncertain Significance.

Quest Diagnostics Nichols Institute San Juan Capistrano
Classification: Uncertain significance. Last evaluated: 2025-09-05. Review status: criteria provided, single submitter. Criteria: Quest Diagnostics criteria. Collection method: clinical testing. Allele origin: unknown.
Comment: The BMPR1A c.383A>G (p.Asn128Ser) variant has been reported in the published literature in an individual with breast cancer (PMID: 25559809 (2015)). The frequency of this variant in the general population (Genome Aggregation Database) is uninformative in the assessment of its pathogenicity. Analysis of this variant using bioinformatics tools for the prediction of the effect of amino acid changes on protein structure and function yielded predictions that this variant is benign. Based on the available information, we are unable to determine the clinical significance of this variant.

Center for Genomic Medicine, Rigshospitalet, Copenhagen University Hospital
Classification: Uncertain significance. Last evaluated: 2025-03-04. Review status: criteria provided, single submitter. Criteria: ACMG Guidelines, 2015. Collection method: clinical testing. Allele origin: germline.

All of Us Research Program, National Institutes of Health
Classification: Uncertain significance for Juvenile polyposis syndrome. Last evaluated: 2024-05-14. Review status: criteria provided, single submitter. Criteria: ACMG Guidelines, 2015. Collection method: clinical testing. Allele origin: germline. Inheritance: Autosomal dominant inheritance. Observed: 8 variant alleles, 8 heterozygotes.
Comment: This missense variant replaces asparagine with serine at codon 128 of the BMPR1A protein. Computational prediction is inconclusive regarding the impact of this variant on protein structure and function (internally defined REVEL score threshold 0.5 < inconclusive < 0.7, PMID: 27666373). Splice site prediction tools suggest that this variant may not impact RNA splicing. To our knowledge, functional studies have not been performed for this variant. This variant has been reported in an individual affected with colorectal cancer (PMID: 25559809). This variant has also been identified in 7/251458 chromosomes in the general population by the Genome Aggregation Database (gnomAD). The available evidence is insufficient to determine the role of this variant in disease conclusively. Therefore, this variant is classified as a Variant of Uncertain Significance.

This study involves interpretation of variants in research participants for the purpose of population health screening. Participant phenotype was not available at the time of variant classification. Additional details can be found in publication PMID: 35346344, PMCID: PMC8962531

Color Diagnostics, LLC DBA Color Health
Classification: Uncertain significance for Hereditary cancer-predisposing syndrome. Last evaluated: 2024-05-01. Review status: criteria provided, single submitter. Criteria: ACMG Guidelines, 2015. Collection method: clinical testing. Allele origin: germline.
Comment: This missense variant replaces asparagine with serine at codon 128 of the BMPR1A protein. Computational prediction is inconclusive regarding the impact of this variant on protein structure and function (internally defined REVEL score threshold 0.5 < inconclusive < 0.7, PMID: 27666373). To our knowledge, functional studies have not been reported for this variant. This variant has been reported in an individual affected with colorectal cancer (PMID: 25559809). This variant has been identified in 7/251458 chromosomes in the general population by the Genome Aggregation Database (gnomAD). The available evidence is insufficient to determine the role of this variant in disease conclusively. Therefore, this variant is classified as a Variant of Uncertain Significance.

GeneDx
Classification: Uncertain significance. Last evaluated: 2023-11-01. Review status: criteria provided, single submitter. Criteria: GeneDx Variant Classification Process June 2021. Collection method: clinical testing. Allele origin: germline. Affected: yes.
Comment: In silico analysis supports that this missense variant does not alter protein structure/function; Observed in an individual with personal and family history of colorectal cancer/polyps (PMID: 25559809); This variant is associated with the following publications: (PMID: 30787465, 22799562, 23433720, 10881198, 25559809)

Sema4
Classification: Uncertain significance for Hereditary cancer-predisposing syndrome. Last evaluated: 2021-11-22. Review status: criteria provided, single submitter. Criteria: Sema4 Curation Guidelines. Collection method: curation. Allele origin: germline.
Comment: The BMPR1A c.383A>G (p.N128S) missense variant has been reported in 1 individual with colorectal cancer (PMID: 25559809). This variant was observed in 5/113742 chromosomes in the Non-Finnish European population according to the Genome Aggregation Database (PMID: 32461654). The variant has been reported in ClinVar (Variation ID 186487). Functional studies have not been performed, and in silico predictions of the variant's effect on protein function are inconclusive. The overall evidence is insufficient to meet ACMG/AMP criteria for classifying it as benign or pathogenic. In summary, the clinical significance of this variant is currently uncertain.

Ambry Genetics
Classification: Benign for Hereditary cancer-predisposing syndrome. Last evaluated: 2021-08-18. Review status: criteria provided, single submitter. Criteria: Ambry Variant Classification Scheme 2023. Collection method: clinical testing. Allele origin: germline.

Genetic Services Laboratory, University of Chicago
Classification: Uncertain significance. Last evaluated: 2020-07-31. Review status: criteria provided, single submitter. Criteria: ACMG Guidelines, 2015. Collection method: clinical testing. Allele origin: germline. Affected: no.
Comment: DNA sequence analysis of the BMPR1A gene demonstrated a sequence change, c.383A>G, in exon 6 that results in an amino acid change, p.Asn128Ser. This sequence change does not appear to have been previously described in patients with BMPR1A-related disorders. This sequence change has been described in the gnomAD database with a low population frequency of 0.003% (dbSNP rs375165807). The p.Asn128Ser change affects a moderately conserved amino acid residue located in the extracellular domain of the BMPR1A protein. In-silico pathogenicity prediction tools (SIFT, PolyPhen2, Align GVGD, REVEL) provide contradictory results for the p.Asn128Ser substitution. Due to these contrasting evidences and the lack of functional studies, the clinical significance of the p.Asn128Ser change remains unknown at this time.

Literature cited by the submitters: PubMed 25559809 (cited by 6 submitters).